The following is an entry in ClinVar:

ClinVar aggregate classification (germline): Uncertain significance (1 of 4 stars; one submission).

Conditions:
Tuberous sclerosis 2 (TSC2). Identifiers: Orphanet 805, MedGen C1860707, MONDO:0013199, OMIM 613254.

gnomAD v4.1: 2 of 1,613,186 alleles (0.00012%); highest among the groups gnomAD compares: Non-Finnish European, 0.00017%; no homozygotes.

Submission:

Labcorp Genetics (formerly Invitae), Labcorp
Classification: Uncertain significance for Tuberous sclerosis 2. Last evaluated: 2021-04-23. Review status: criteria provided, single submitter. Criteria: Invitae Variant Classification Sherloc (09022015). Collection method: clinical testing. Allele origin: germline.
Comment: In summary, the available evidence is currently insufficient to determine the role of this variant in disease. Therefore, it has been classified as a Variant of Uncertain Significance. Algorithms developed to predict the effect of sequence changes on RNA splicing suggest that this variant may disrupt the consensus splice site, but this prediction has not been confirmed by published transcriptional studies. This variant has not been reported in the literature in individuals with TSC2-related conditions. This variant is not present in population databases (ExAC no frequency). This sequence change falls in intron 5 of the TSC2 gene. It does not directly change the encoded amino acid sequence of the TSC2 protein.

NM_000548.5(TSC2):c.482-7C>G

Gene: TSC2 (TSC complex subunit 2; plus strand). Cytogenetic location: 16p13.3.
Variant type: single nucleotide variant.
Coding change: c.482-7C>G on transcript NM_000548.5 (MANE Select); 7 bases into the intron before coding-DNA position 482, C replaced by G.
Molecular consequence: intron variant.
Genome position (GRCh38, 1-based): chr16:2,055,395, C>G. VCF-style: chr16-2055395-C-G. GRCh37 (hg19) VCF-style: chr16-2105396-C-G.
Other names: c.482-7C>G (NM_001114382.3, NM_021055.3, NM_001370405.1 and 3 more transcripts); c.371-7C>G (NM_001318827.2); c.-1-801C>G (NM_001318831.2); c.335-7C>G (NM_001318829.2); c.515-7C>G (NM_001318832.2).
Identifiers: ClinVar variation 1004859 (VCV001004859.8), dbSNP rs2085648892, ClinGen allele CA2201999785.